The following is an entry in ClinVar:

NM_001001433.3(STX16):c.648+5G>A

Genes: STX16 (syntaxin 16; plus strand), STX16-NPEPL1 (STX16-NPEPL1 readthrough (NMD candidate); plus strand). Cytogenetic location: 20q13.32.
Variant type: single nucleotide variant.
Coding change: c.648+5G>A on transcript NM_001001433.3 (MANE Select); 5 bases into the intron after coding-DNA position 648, G replaced by A.
Molecular consequence: intron variant.
Genome position (GRCh38, 1-based): chr20:58,670,608, G>A. VCF-style: chr20-58670608-G-A. GRCh37 (hg19) VCF-style: chr20-57245664-G-A.
Other names: c.636+5G>A (NM_001134772.3); c.597+5G>A (NM_001134773.3); c.585+5G>A (NM_003763.6); c.489+5G>A (NM_001204868.2).
Identifiers: ClinVar variation 4741836 (VCV004741836.1).

ClinVar aggregate classification (germline): Uncertain significance (1 of 4 stars; one submission).

gnomAD v4.1: 19 of 1,612,746 alleles (0.0012%); highest among the groups gnomAD compares: Admixed American, 0.01%; no homozygotes.

Submission:

Labcorp Genetics (formerly Invitae), Labcorp
Classification: Uncertain significance. Last evaluated: 2026-01-25. Review status: criteria provided, single submitter. Criteria: Invitae Variant Classification Sherloc (09022015). Collection method: clinical testing. Allele origin: germline.
Comment: This sequence change falls in intron 6 of the STX16 gene. It does not directly change the encoded amino acid sequence of the STX16 protein. It affects a nucleotide within the consensus splice site. This variant is present in population databases (rs373073880, gnomAD 0.01%). This variant has not been reported in the literature in individuals affected with STX16-related conditions. Variants that disrupt the consensus splice site are a relatively common cause of aberrant splicing (PMID: 17576681, 9536098). Algorithms developed to predict the effect of sequence changes on RNA splicing suggest that this variant may disrupt the consensus splice site. In summary, the available evidence is currently insufficient to determine the role of this variant in disease. Therefore, it has been classified as a Variant of Uncertain Significance.

Literature cited by the submitters: PubMed 17576681; PubMed 9536098.